The following is an entry in ClinVar:

ClinVar aggregate classification (germline): Uncertain significance (1 of 4 stars; one submission).

Conditions:
Kleefstra syndrome 1 (KLEFS1). Identifiers: Orphanet 261494, MedGen C0795833, MONDO:0027407, OMIM 610253.

Submission:

Labcorp Genetics (formerly Invitae), Labcorp
Classification: Uncertain significance for Kleefstra syndrome 1. Last evaluated: 2020-08-14. Review status: criteria provided, single submitter. Criteria: Invitae Variant Classification Sherloc (09022015). Collection method: clinical testing. Allele origin: germline.
Comment: This variant is not present in population databases (ExAC no frequency). This sequence change replaces methionine with threonine at codon 563 of the EHMT1 protein (p.Met563Thr). The methionine residue is highly conserved and there is a moderate physicochemical difference between methionine and threonine. This variant has not been reported in the literature in individuals with EHMT1-related conditions. Algorithms developed to predict the effect of missense changes on protein structure and function are either unavailable or do not agree on the potential impact of this missense change (SIFT: "Deleterious"; PolyPhen-2: "Possibly Damaging"; Align-GVGD: "Class C0"). In summary, the available evidence is currently insufficient to determine the role of this variant in disease. Therefore, it has been classified as a Variant of Uncertain Significance.

NM_024757.5(EHMT1):c.1688T>C (p.Met563Thr)

Gene: EHMT1 (euchromatic histone lysine methyltransferase 1; plus strand). Cytogenetic location: 9q34.3.
Variant type: single nucleotide variant.
Coding change: c.1688T>C on transcript NM_024757.5 (MANE Select); coding-DNA position 1688, T replaced by C.
Protein change: p.Met563Thr; replaces methionine 563 with threonine.
Molecular consequence: missense variant.
Genome position (GRCh38, 1-based): chr9:137,775,149, T>C. VCF-style: chr9-137775149-T-C. GRCh37 (hg19) VCF-style: chr9-140669601-T-C.
Other names: c.1688T>C, p.Met563Thr (NM_001145527.2); c.1595T>C, p.Met532Thr (NM_001354259.2); c.1667T>C, p.Met556Thr (NM_001354263.2); short protein forms M532T, M556T, M563T.
Identifiers: ClinVar variation 1005515 (VCV001005515.9), dbSNP rs1950867829, ClinGen allele CA375773492.